The following is an entry in ClinVar:

NM_005732.4(RAD50):c.561A>T (p.Lys187Asn)

Gene: RAD50 (RAD50 double strand break repair protein; plus strand). Cytogenetic location: 5q31.1.
Variant type: single nucleotide variant.
Coding change: c.561A>T on transcript NM_005732.4 (MANE Select); coding-DNA position 561, A replaced by T.
Protein change: p.Lys187Asn; replaces lysine 187 with asparagine.
Molecular consequence: missense variant.
Genome position (GRCh38, 1-based): chr5:132,579,871, A>T. VCF-style: chr5-132579871-A-T. GRCh37 (hg19) VCF-style: chr5-131915563-A-T.
Other names: short protein forms K187N.
Identifiers: ClinVar variation 847229 (VCV000847229.12), dbSNP rs1245861537, ClinGen allele CA360935445.
Genomic context (GRCh38, chr5:132,579,871, plus strand): 5'-TACCATAATTTACTTTGCCAGAAATTTGATTTTTGTTTCATATCTTCAAAGATACATTAA[A>T]GCCTTAGAAACACTTCGGCAGGTACGTCAGACACAAGGTCAGAAAGTAAAAGAATATCAA-3'
Protein context (NP_005723.2, residues 177-197): DEIFSATRYI[Lys187Asn]ALETLRQVRQ

ClinVar aggregate classification (germline): Uncertain significance. Review status: criteria provided, multiple submitters, no conflicts (2 of 4 stars). 2 submissions from 2 submitters: Uncertain significance (2). Last evaluated 2025-12-16.

Conditions:
Hereditary cancer-predisposing syndrome. Also called: Hereditary Cancer Syndrome; Tumor predisposition; Neoplastic Syndromes, Hereditary; Hereditary neoplastic syndrome. Identifiers: Orphanet 140162, MedGen C0027672, MeSH D009386, MONDO:0015356.

Allele frequency attached by ClinVar (database versions not stated): gnomAD exomes below 0.00001.
gnomAD v4.1: 1 of 1,610,578 alleles (0.000062%); highest among the groups gnomAD compares: Admixed American, 0.0017%; no homozygotes.

Submissions (2):

Ambry Genetics
Classification: Uncertain significance for Hereditary cancer-predisposing syndrome. Last evaluated: 2025-12-16. Review status: criteria provided, single submitter. Criteria: Ambry Variant Classification Scheme 2023. Collection method: clinical testing. Allele origin: germline.
Comment: The p.K187N variant (also known as c.561A>T), located in coding exon 5 of the RAD50 gene, results from an A to T substitution at nucleotide position 561. The lysine at codon 187 is replaced by asparagine, an amino acid with similar properties. This amino acid position is conserved. In addition, this alteration is predicted to be tolerated by in silico analysis. Since supporting evidence is limited at this time, the clinical significance of this alteration remains unclear.

Labcorp Genetics (formerly Invitae), Labcorp
Classification: Uncertain significance for Hereditary cancer-predisposing syndrome. Last evaluated: 2022-02-17. Review status: criteria provided, single submitter. Criteria: Invitae Variant Classification Sherloc (09022015). Collection method: clinical testing. Allele origin: germline.
Comment: This variant is present in population databases (no rsID available, gnomAD 0.003%). This variant has not been reported in the literature in individuals affected with RAD50-related conditions. ClinVar contains an entry for this variant (Variation ID: 847229). Algorithms developed to predict the effect of missense changes on protein structure and function (SIFT, PolyPhen-2, Align-GVGD) all suggest that this variant is likely to be disruptive. Algorithms developed to predict the effect of sequence changes on RNA splicing suggest that this variant may disrupt the consensus splice site. In summary, the available evidence is currently insufficient to determine the role of this variant in disease. Therefore, it has been classified as a Variant of Uncertain Significance. This sequence change replaces lysine, which is basic and polar, with asparagine, which is neutral and polar, at codon 187 of the RAD50 protein (p.Lys187Asn).